The following is an entry in ClinVar:

NM_000218.3(KCNQ1):c.733G>T (p.Gly245Ter)

Gene: KCNQ1 (potassium voltage-gated channel subfamily Q member 1; plus strand). Cytogenetic location: 11p15.5.
Variant type: single nucleotide variant.
Coding change: c.733G>T on transcript NM_000218.3 (MANE Select); coding-DNA position 733, G replaced by T.
Protein change: p.Gly245Ter; replaces glycine 245 with a stop codon.
Molecular consequence: nonsense.
Genome position (GRCh38, 1-based): chr11:2,572,062, G>T. VCF-style: chr11-2572062-G-T. GRCh37 (hg19) VCF-style: chr11-2593292-G-T.
Other names: c.733G>T, p.Gly245Ter (NM_001406836.1); c.463G>T, p.Gly155Ter (NM_001406837.1); c.352G>T, p.Gly118Ter (NM_181798.2); short protein forms G118*, G245*, G155*.
Identifiers: ClinVar variation 405265 (VCV000405265.10), dbSNP rs1060500628, ClinGen allele CA16613304.

ClinVar aggregate classification (germline): Pathogenic (1 of 4 stars; one submission).

Conditions:
Long QT syndrome (LQTS). Identifiers: MedGen C0023976, MeSH D008133, MONDO:0002442. Disease mechanism: loss of function. Inheritance: Various modes of inheritance.

gnomAD v4.1: 1 of 1,612,906 alleles (0.000062%); highest among the groups gnomAD compares: South Asian, 0.0011%; no homozygotes.

Submission:

Labcorp Genetics (formerly Invitae), Labcorp
Classification: Pathogenic for Long QT syndrome. Last evaluated: 2017-03-07. Review status: criteria provided, single submitter. Criteria: Invitae Variant Classification Sherloc (09022015). Collection method: clinical testing. Allele origin: germline.
Comment: While this variant has not been reported in the literature, loss-of-function variants in KCNQ1 are known to be pathogenic (PMID: 19862833). This sequence change creates a premature translational stop signal at codon 245 (p.Gly245*) of the KCNQ1 gene. It is expected to result in an absent or disrupted protein product. For these reasons, this variant has been classified as Pathogenic.

Literature cited by the submitters: PubMed 19862833.